The following is an entry in ClinVar:

NM_000540.3(RYR1):c.8816+4C>T

Gene: RYR1 (ryanodine receptor 1; plus strand). Cytogenetic location: 19q13.2.
Variant type: single nucleotide variant.
Coding change: c.8816+4C>T on transcript NM_000540.3 (MANE Select); 4 bases into the intron after coding-DNA position 8816, C replaced by T.
Molecular consequence: intron variant.
Genome position (GRCh38, 1-based): chr19:38,506,956, C>T. VCF-style: chr19-38506956-C-T. GRCh37 (hg19) VCF-style: chr19-38997596-C-T.
Other names: c.8816+4C>T (NM_001042723.2).
Identifiers: ClinVar variation 1517932 (VCV001517932.6), dbSNP rs746537111, ClinGen allele CA072787.
Genomic context (GRCh38, chr19:38,506,956, plus strand): 5'-AGAGAAGGCCCAGGAGCTACTGAAATTCCTGCAGATGAATGGCTACGCGGTTACAAGGCA[C>T]GCGGGTTGGGGCTCCCGCGGAAGAGCAGCAGGCAGAACACACCCGGCAAAGGCTGGAAGG-3'

ClinVar aggregate classification (germline): Uncertain significance. Review status: criteria provided, multiple submitters, no conflicts (2 of 4 stars). 2 submissions from 2 submitters: Uncertain significance (2). Last evaluated 2026-01-18.

Conditions:
RYR1-related disorder. Also called: RYR1-related disorders; RYR1-related condition. Identifiers: MedGen CN239331.
Malignant hyperthermia, susceptibility to, 1 (MHS1). Also called: RYR1-Related Malignant Hyperthermia Susceptibility; Malignant hyperthermia suceptibility 1; Anesthesia related hyperthermia; Malignant hyperpyrexia; Fulminating hyperpyrexia; Pharmacogenic myopathy. Identifiers: Orphanet 423, MedGen C2930980, MONDO:0007783, OMIM 145600.

Allele frequency attached by ClinVar (database versions not stated): gnomAD 0.00003 and 0.00005; gnomAD exomes 0.00003; ExAC 0.00005; TOPMed 0.00006.
gnomAD v4.1: 27 of 1,612,304 alleles (0.0017%); highest among the groups gnomAD compares: Admixed American, 0.0033%; no homozygotes.

Submissions (2):

Labcorp Genetics (formerly Invitae), Labcorp
Classification: Uncertain significance for RYR1-related disorder. Last evaluated: 2026-01-18. Review status: criteria provided, single submitter. Criteria: Invitae Variant Classification Sherloc (09022015). Collection method: clinical testing. Allele origin: germline.
Comment: This sequence change falls in intron 57 of the RYR1 gene. It does not directly change the encoded amino acid sequence of the RYR1 protein. It affects a nucleotide within the consensus splice site. This variant is present in population databases (rs746537111, gnomAD 0.007%). This variant has not been reported in the literature in individuals affected with RYR1-related conditions. ClinVar contains an entry for this variant (Variation ID: 1517932). Variants that disrupt the consensus splice site are a relatively common cause of aberrant splicing (PMID: 17576681, 9536098). Algorithms developed to predict the effect of sequence changes on RNA splicing suggest that this variant is not likely to affect RNA splicing. In summary, the available evidence is currently insufficient to determine the role of this variant in disease. Therefore, it has been classified as a Variant of Uncertain Significance.

Color Diagnostics, LLC DBA Color Health
Classification: Uncertain significance for Malignant hyperthermia, susceptibility to, 1. Last evaluated: 2024-02-20. Review status: criteria provided, single submitter. Criteria: ACMG Guidelines, 2015. Collection method: clinical testing. Allele origin: germline.
Comment: This variant causes a C to T nucleotide substitution at the +4 position of intron 57 of the RYR1 gene. To our knowledge, functional studies have not been reported for this variant. This variant has not been reported in individuals affected with RYR1-related disorders in the literature. This variant has been identified in 9/282296 chromosomes in the general population by the Genome Aggregation Database (gnomAD). The available evidence is insufficient to determine the role of this variant in disease conclusively. Therefore, this variant is classified as a Variant of Uncertain Significance.

Literature cited by the submitters: PubMed 17576681 (cited by Labcorp Genetics (formerly Invitae), Labcorp); PubMed 9536098 (cited by Labcorp Genetics (formerly Invitae), Labcorp).